The following is an entry in ClinVar:

NM_001371986.1(UNC80):c.7315T>A (p.Leu2439Ile)

Gene: UNC80 (unc-80 homolog, NALCN channel complex subunit; plus strand). Cytogenetic location: 2q34.
Variant type: single nucleotide variant.
Coding change: c.7315T>A on transcript NM_001371986.1 (MANE Select); coding-DNA position 7315, T replaced by A.
Protein change: p.Leu2439Ile; replaces leucine 2439 with isoleucine.
Molecular consequence: missense variant.
Genome position (GRCh38, 1-based): chr2:209,954,128, T>A. VCF-style: chr2-209954128-T-A. GRCh37 (hg19) VCF-style: chr2-210818852-T-A.
Other names: c.7117T>A, p.Leu2373Ile (NM_032504.2); c.7102T>A, p.Leu2368Ile (NM_182587.4); c.7117T>A (NM_032504.1); short protein forms L2373I, L2439I, L2368I.
Identifiers: ClinVar variation 2154183 (VCV002154183.3), dbSNP rs575597019, ClinGen allele CA2083466.

ClinVar aggregate classification (germline): Uncertain significance. Review status: criteria provided, multiple submitters, no conflicts (2 of 4 stars). 2 submissions from 2 submitters: Uncertain significance (2). Last evaluated 2025-02-02.

Conditions:
Inborn genetic diseases. Identifiers: MedGen C0950123, MeSH D030342.

Allele frequency attached by ClinVar (database versions not stated): TOPMed 0.00003; gnomAD 0.00004; ExAC 0.00005; 1000 Genomes Project 30x 0.00016; 1000 Genomes Project 0.00020.
gnomAD v4.1: 94 of 1,550,854 alleles (0.0061%); highest among the groups gnomAD compares: Non-Finnish European, 0.0081%; no homozygotes.

Submissions (2):

Ambry Genetics
Classification: Uncertain significance for Inborn genetic diseases. Last evaluated: 2025-02-02. Review status: criteria provided, single submitter. Criteria: Ambry Variant Classification Scheme 2023. Collection method: clinical testing. Allele origin: germline.

Labcorp Genetics (formerly Invitae), Labcorp
Classification: Uncertain significance. Last evaluated: 2023-12-07. Review status: criteria provided, single submitter. Criteria: Invitae Variant Classification Sherloc (09022015). Collection method: clinical testing. Allele origin: germline.
Comment: This sequence change replaces leucine, which is neutral and non-polar, with isoleucine, which is neutral and non-polar, at codon 2373 of the UNC80 protein (p.Leu2373Ile). This variant is present in population databases (rs575597019, gnomAD 0.007%). This variant has not been reported in the literature in individuals affected with UNC80-related conditions. ClinVar contains an entry for this variant (Variation ID: 2154183). Advanced modeling of protein sequence and biophysical properties (such as structural, functional, and spatial information, amino acid conservation, physicochemical variation, residue mobility, and thermodynamic stability) performed at Invitae indicates that this missense variant is not expected to disrupt UNC80 protein function with a negative predictive value of 80%. In summary, the available evidence is currently insufficient to determine the role of this variant in disease. Therefore, it has been classified as a Variant of Uncertain Significance.